The following is an entry in ClinVar:

ClinVar aggregate classification (germline): Uncertain significance (1 of 4 stars; one submission).

Conditions:
KIDINS220-related disorder. Also called: KIDINS220-related condition.

gnomAD v4.1: 63 of 1,614,066 alleles (0.0039%); highest among the groups gnomAD compares: Non-Finnish European, 0.0053%; no homozygotes.

Submission:

PreventionGenetics, part of Exact Sciences
Classification: Uncertain significance for KIDINS220-related condition. Last evaluated: 2026-08-25. Review status: criteria provided, single submitter. Criteria: ACMG Guidelines, 2015. Collection method: clinical testing. Allele origin: germline.
Comment: The KIDINS220 c.3610G>A variant is predicted to result in the amino acid substitution p.Val1204Met. To our knowledge, this variant has not been reported in the literature. This variant is reported in 0.0047% of alleles in individuals of European (non-Finnish) descent in gnomAD. At this time, the clinical significance of this variant is uncertain due to the absence of conclusive functional and genetic evidence.

NM_020738.4(KIDINS220):c.3610G>A (p.Val1204Met)

Gene: KIDINS220 (kinase D interacting substrate 220; minus strand). Cytogenetic location: 2p25.1.
Variant type: single nucleotide variant.
Coding change: c.3610G>A on transcript NM_020738.4 (MANE Select); coding-DNA position 3610, G replaced by A.
Protein change: p.Val1204Met; replaces valine 1204 with methionine.
Molecular consequence: missense variant. On other transcripts: non-coding transcript variant (2).
Genome position (GRCh38, 1-based): chr2:8,736,975, C>T on the plus strand (G>A on the coding strand, the complement: KIDINS220 is on the minus strand). VCF-style: chr2-8736975-C-T. GRCh37 (hg19) VCF-style: chr2-8877105-C-T.
Other names: c.3613G>A, p.Val1205Met (NM_001348729.2); c.3556G>A, p.Val1186Met (NM_001348731.2); c.3553G>A, p.Val1185Met (NM_001348732.2, NM_001348738.2); c.3442G>A, p.Val1148Met (NM_001348734.2, NM_001348739.2, NM_001348740.2); c.3439G>A, p.Val1147Met (NM_001348735.2, NM_001348741.2, NM_001348742.2 and 1 more transcripts); c.3313G>A, p.Val1105Met (NM_001348736.2); short protein forms V1105M, V1147M, V1148M, V1185M, V1186M, V1204M, V1205M.
Identifiers: ClinVar variation 3350820 (VCV003350820.2).